The following is an entry in ClinVar:

ClinVar aggregate classification (germline): Likely benign. Review status: criteria provided, multiple submitters, no conflicts (2 of 4 stars). 5 submissions from 5 submitters: Likely benign (5). Last evaluated 2026-01-26.

Conditions:
Epidermolysis bullosa simplex, Ogna type (EBS5A). Also called: Pidermolysis bullosa simplex 5A, Ogna type; EPIDERMOLYSIS BULLOSA SIMPLEX 5A, OGNA TYPE. Identifiers: Orphanet 79401, MedGen C0432317, MONDO:0007555, OMIM 131950.
Epidermolysis bullosa simplex with nail dystrophy (EBS5D). Identifiers: MedGen C4225309, MONDO:0014661, OMIM 616487.
Autosomal recessive limb-girdle muscular dystrophy type 2Q (LGMDR17). Also called: MUSCULAR DYSTROPHY, LIMB-GIRDLE, AUTOSOMAL RECESSIVE 17. Identifiers: Orphanet 254361, MedGen C3150989, MONDO:0013390, OMIM 613723.
Epidermolysis bullosa simplex 5C, with pyloric atresia (EBS5C). Also called: Epidermolysis bullosa simplex with pyloric atresia; PLEC1-Related Epidermolysis Bullosa with Pyloric Atresia; PLEC-Related Epidermolysis Bullosa with Pyloric Atresia. Identifiers: Orphanet 158684, MedGen C2677349, MONDO:0012807, OMIM 612138.
Epidermolysis bullosa simplex 5B, with muscular dystrophy (EBS5B). Also called: Epidermolysis bullosa simplex with muscular dystrophy; EPIDERMOLYSIS BULLOSA SIMPLEX AND LIMB-GIRDLE MUSCULAR DYSTROPHY. Identifiers: Orphanet 257, MedGen C2931072, MONDO:0009181, OMIM 226670.

Allele frequency attached by ClinVar (database versions not stated): gnomAD 0.00016 and 0.00030; gnomAD exomes 0.00020 and 0.00067; TOPMed 0.00035; ExAC 0.00071; 1000 Genomes Project 0.00280; 1000 Genomes Project 30x 0.00390.
gnomAD v4.1: 348 of 1,613,448 alleles (0.022%); highest among the groups gnomAD compares: East Asian, 0.55%; 3 homozygotes.

Submissions (5):

Labcorp Genetics (formerly Invitae), Labcorp
Classification: Likely benign for Autosomal recessive limb-girdle muscular dystrophy type 2Q; Epidermolysis bullosa simplex, Ogna type; Epidermolysis bullosa simplex with nail dystrophy; Epidermolysis bullosa simplex 5C, with pyloric atresia; Epidermolysis bullosa simplex 5B, with muscular dystrophy. Last evaluated: 2026-01-26. Review status: criteria provided, single submitter. Criteria: Invitae Variant Classification Sherloc (09022015). Collection method: clinical testing. Allele origin: germline.

Blueprint Genetics
Classification: Likely benign. Last evaluated: 2024-11-22. Review status: criteria provided, single submitter. Criteria: ACMG Guidelines, 2015. Collection method: clinical testing. Allele origin: germline.

CeGaT Center for Human Genetics Tuebingen
Classification: Likely benign. Last evaluated: 2023-10-01. Review status: criteria provided, single submitter. Criteria: CeGaT Center For Human Genetics Tuebingen Variant Classification Criteria Version 2. Collection method: clinical testing. Allele origin: germline. Affected: yes. Observed: 1 variant allele.
Comment: PLEC: BS1

Athena Diagnostics
Classification: Likely benign. Last evaluated: 2016-12-12. Review status: criteria provided, single submitter. Criteria: Athena Diagnostics Criteria. Collection method: clinical testing. Allele origin: germline.

Eurofins Ntd Llc (ga)
Classification: Likely benign. Last evaluated: 2015-09-10. Review status: criteria provided, single submitter. Criteria: EGL Classification Definitions 2015. Collection method: clinical testing. Allele origin: germline. Observed: 1 variant allele, 1 heterozygote.

NM_201384.3(PLEC):c.12064C>T (p.Leu4022Phe)

Gene: PLEC (plectin; minus strand). Cytogenetic location: 8q24.3.
Variant type: single nucleotide variant.
Coding change: c.12064C>T on transcript NM_201384.3 (MANE Select); coding-DNA position 12064, C replaced by T.
Protein change: p.Leu4022Phe; replaces leucine 4022 with phenylalanine.
Molecular consequence: missense variant.
Genome position (GRCh38, 1-based): chr8:143,917,757, G>A on the plus strand (C>T on the coding strand, the complement: PLEC is on the minus strand). VCF-style: chr8-143917757-G-A. GRCh37 (hg19) VCF-style: chr8-144991925-G-A.
Other names: c.11968C>T, p.Leu3990Phe (NM_201381.3); c.12064C>T, p.Leu4022Phe (NM_201382.4); c.12076C>T, p.Leu4026Phe (NM_201383.3); c.12145C>T, p.Leu4049Phe (NM_000445.5); c.12022C>T, p.Leu4008Phe (NM_201378.4); c.11998C>T, p.Leu4000Phe (NM_201379.3); c.12475C>T, p.Leu4159Phe (NM_201380.4); short protein forms L4022F, L4026F, L3990F, L4008F, L4049F, L4159F, L4000F.
Identifiers: ClinVar variation 282244 (VCV000282244.41), dbSNP rs189061273, ClinGen allele CA4924184.